The following is an entry in ClinVar:

ClinVar aggregate classification (germline): Uncertain significance (1 of 4 stars; one submission).

Conditions:
Clark-Baraitser syndrome. Also called: BARAITSER SYNDROME; Mental retardation, tall stature, obesity, macrocephaly and typical facial features; Intellectual disability, autosomal dominant 49; MENTAL RETARDATION, AUTOSOMAL DOMINANT 49. Identifiers: Orphanet 600731, MedGen C2931130, MONDO:0030914, OMIM 617752.

Submission:

New York Genome Center
Classification: Uncertain significance for Clark-Baraitser syndrome. Last evaluated: 2021-07-02. Review status: criteria provided, single submitter. Criteria: NYGC Assertion Criteria 2020. Collection method: clinical testing. Allele origin: de novo. Observed: 1 heterozygote. Study: CSER-NYCKidSeq.
Comment: The de novo c.3206+408T>G variant identified in the TRIP12 gene is a deep intronic variant within intron 21/41 of transcript NM_001348323.1. TRIP12 is alternatively spliced, and this variant may have different nomenclature and fall within a different intron in an alternative transcript, although it is intronic in all currently annotated transcripts. This variant is absent in gnomAD(v3.1.1) suggesting it is not a common benign variant in the populations represented in that database. In silico algorithm SpliceAI does not predict an alteration to splicing (delta score:0.00), and the Transcript inferred Pathogenicity (TraP) score is 0.112 (75-90% score-percentile), which is not strongly indicative of a damaging effect. This variant is absent from ClinVar and to our current knowledge has not been reported inaffected individuals in the literature. While it is found de novo in the affected individual and absent from population databases, the lack of additional compelling evidence for its pathogenicity results in its classification here as a Variant of Uncertain Significance.

NM_001348323.3(TRIP12):c.3206+408T>G

Gene: TRIP12 (thyroid hormone receptor interactor 12; minus strand). Cytogenetic location: 2q36.3.
Variant type: single nucleotide variant.
Coding change: c.3206+408T>G on transcript NM_001348323.3 (MANE Select); 408 bases into the intron after coding-DNA position 3206, T replaced by G.
Molecular consequence: intron variant.
Genome position (GRCh38, 1-based): chr2:229,801,844, A>C on the plus strand (T>G on the coding strand, the complement: TRIP12 is on the minus strand). VCF-style: chr2-229801844-A-C. GRCh37 (hg19) VCF-style: chr2-230666560-A-C.
Other names: c.2171+408T>G (NM_001284216.2); c.2981+408T>G (NM_004238.3); c.2999+408T>G (NM_001348331.1); c.3080+408T>G (NM_001348317.1, NM_001284215.2, NM_001348316.2 and 1 more transcripts); c.3119+408T>G (NM_001348332.1); c.3125+408T>G (NM_001284214.2, NM_001348315.2); c.3206+408T>G (NM_001348319.1, NM_001348322.1, NM_001348324.2 and 4 more transcripts); c.3128+408T>G (NM_001348333.1); and 1 more.
Identifiers: ClinVar variation 1342518 (VCV001342518.1), dbSNP rs1461598857, ClinGen allele CA765902496.